The following is an entry in ClinVar:

ClinVar aggregate classification (germline): Uncertain significance. Review status: criteria provided, multiple submitters, no conflicts (2 of 4 stars). 2 submissions from 2 submitters: Uncertain significance (2). Last evaluated 2023-01-03.

Conditions:
Neuronopathy, distal hereditary motor, autosomal recessive 4. Also called: Autosomal recessive lower motor neuron disease with childhood onset; NEUROPATHY, DISTAL HEREDITARY MOTOR, AUTOSOMAL RECESSIVE 4. Identifiers: Orphanet 206580, MedGen C1970211, MONDO:0012608, OMIM 611067.
Charcot-Marie-Tooth disease recessive intermediate C. Also called: CHARCOT-MARIE-TOOTH NEUROPATHY, RECESSIVE INTERMEDIATE C. Identifiers: Orphanet 369867, MedGen C3809309, MONDO:0014154, OMIM 615376.

Allele frequency attached by ClinVar (database versions not stated): gnomAD exomes 0.00003 and 0.00006; TOPMed 0.00003; ExAC 0.00004; ESP Exome Variant Server 0.00008.
gnomAD v4.1: 51 of 1,613,824 alleles (0.0032%); highest among the groups gnomAD compares: South Asian, 0.026%; no homozygotes.

Submissions (2):

GeneDx
Classification: Uncertain significance. Last evaluated: 2023-01-03. Review status: criteria provided, single submitter. Criteria: GeneDx Variant Classification Process June 2021. Collection method: clinical testing. Allele origin: germline. Affected: yes.
Comment: In silico analysis supports that this missense variant has a deleterious effect on protein structure/function; Has not been previously published as pathogenic or benign to our knowledge

Labcorp Genetics (formerly Invitae), Labcorp
Classification: Uncertain significance for Neuronopathy, distal hereditary motor, autosomal recessive 4; Charcot-Marie-Tooth disease recessive intermediate C. Last evaluated: 2021-09-01. Review status: criteria provided, single submitter. Criteria: Invitae Variant Classification Sherloc (09022015). Collection method: clinical testing. Allele origin: germline.
Comment: This sequence change replaces arginine with tryptophan at codon 642 of the PLEKHG5 protein (p.Arg642Trp). The arginine residue is moderately conserved and there is a moderate physicochemical difference between arginine and tryptophan. This variant is present in population databases (rs139188442, ExAC 0.02%). This variant has not been reported in the literature in individuals affected with PLEKHG5-related conditions. Algorithms developed to predict the effect of missense changes on protein structure and function are either unavailable or do not agree on the potential impact of this missense change (SIFT: "Deleterious"; PolyPhen-2: "Possibly Damaging"; Align-GVGD: "Class C0"). In summary, the available evidence is currently insufficient to determine the role of this variant in disease. Therefore, it has been classified as a Variant of Uncertain Significance.

NM_020631.6(PLEKHG5):c.1924C>T (p.Arg642Trp)

Gene: PLEKHG5 (pleckstrin homology and RhoGEF domain containing G5; minus strand). Cytogenetic location: 1p36.31.
Variant type: single nucleotide variant.
Coding change: c.1924C>T on transcript NM_020631.6 (MANE Select); coding-DNA position 1924, C replaced by T.
Protein change: p.Arg642Trp; replaces arginine 642 with tryptophan.
Molecular consequence: missense variant.
Genome position (GRCh38, 1-based): chr1:6,469,553, G>A on the plus strand (C>T on the coding strand, the complement: PLEKHG5 is on the minus strand). VCF-style: chr1-6469553-G-A. GRCh37 (hg19) VCF-style: chr1-6529613-G-A.
Other names: c.1924C>T (NM_020631.4); c.2035C>T, p.Arg679Trp (NM_001042663.3, NM_001265592.2); c.1924C>T, p.Arg642Trp (NM_001042664.2, NM_001042665.2, NM_001265594.3 and 1 more transcripts); c.2131C>T, p.Arg711Trp (NM_001265593.2); short protein forms R642W, R711W, R679W.
Identifiers: ClinVar variation 1442873 (VCV001442873.6), dbSNP rs139188442, ClinGen allele CA561318.